The following is an entry in ClinVar:

NM_005633.4(SOS1):c.3691C>A (p.Leu1231Ile)

Gene: SOS1 (SOS Ras/Rac guanine nucleotide exchange factor 1; minus strand). Cytogenetic location: 2p22.1.
Variant type: single nucleotide variant.
Coding change: c.3691C>A on transcript NM_005633.4 (MANE Select); coding-DNA position 3691, C replaced by A.
Protein change: p.Leu1231Ile; replaces leucine 1231 with isoleucine.
Molecular consequence: missense variant.
Genome position (GRCh38, 1-based): chr2:38,986,135, G>T on the plus strand (C>A on the coding strand, the complement: SOS1 is on the minus strand). VCF-style: chr2-38986135-G-T. GRCh37 (hg19) VCF-style: chr2-39213276-G-T.
Other names: c.3670C>A, p.Leu1224Ile (NM_001382394.1); c.3646C>A, p.Leu1216Ile (NM_001382395.1); short protein forms L1216I, L1224I, L1231I.
Identifiers: ClinVar variation 3447311 (VCV003447311.2).

ClinVar aggregate classification (germline): Uncertain significance. Review status: criteria provided, multiple submitters, no conflicts (2 of 4 stars). 2 submissions from 2 submitters: Uncertain significance (2). Last evaluated 2024-10-19.

Conditions:
Cardiovascular phenotype. Identifiers: MedGen CN230736.

gnomAD v4.1: 5 of 1,613,876 alleles (0.00031%); highest among the groups gnomAD compares: Non-Finnish European, 0.00042%; no homozygotes.

Submissions (2):

Ambry Genetics
Classification: Uncertain significance for Cardiovascular phenotype. Last evaluated: 2024-10-19. Review status: criteria provided, single submitter. Criteria: Ambry Variant Classification Scheme 2023. Collection method: clinical testing. Allele origin: germline.
Comment: The p.L1231I variant (also known as c.3691C>A), located in coding exon 23 of the SOS1 gene, results from a C to A substitution at nucleotide position 3691. The leucine at codon 1231 is replaced by isoleucine, an amino acid with highly similar properties. This amino acid position is conserved. In addition, this alteration is predicted to be tolerated by in silico analysis. Based on the available evidence, the clinical significance of this variant remains unclear.

Blueprint Genetics
Classification: Uncertain significance. Last evaluated: 2022-06-27. Review status: criteria provided, single submitter. Criteria: ACMG Guidelines, 2015. Collection method: clinical testing. Allele origin: germline.